The following is an entry in ClinVar:

NM_020778.5(ALPK3):c.1853T>C (p.Val618Ala)

Gene: ALPK3 (alpha kinase 3; plus strand). Cytogenetic location: 15q25.3.
Variant type: single nucleotide variant.
Coding change: c.1853T>C on transcript NM_020778.5 (MANE Select); coding-DNA position 1853, T replaced by C.
Protein change: p.Val618Ala; replaces valine 618 with alanine.
Molecular consequence: missense variant.
Genome position (GRCh38, 1-based): chr15:84,856,591, T>C. VCF-style: chr15-84856591-T-C. GRCh37 (hg19) VCF-style: chr15-85399822-T-C.
Other names: short protein forms V618A.
Identifiers: ClinVar variation 3009758 (VCV003009758.3), dbSNP rs1000115945, ClinGen allele CA273623701.

ClinVar aggregate classification (germline): Uncertain significance (1 of 4 stars; one submission).

Allele frequency attached by ClinVar (database versions not stated): gnomAD exomes below 0.00001.
gnomAD v4.1: 2 of 1,613,790 alleles (0.00012%); highest among the groups gnomAD compares: Admixed American, 0.0017%; no homozygotes.

Submission:

Labcorp Genetics (formerly Invitae), Labcorp
Classification: Uncertain significance. Last evaluated: 2025-12-09. Review status: criteria provided, single submitter. Criteria: Invitae Variant Classification Sherloc (09022015). Collection method: clinical testing. Allele origin: germline.
Comment: This sequence change replaces valine, which is neutral and non-polar, with alanine, which is neutral and non-polar, at codon 820 of the ALPK3 protein (p.Val820Ala). This variant is not present in population databases (gnomAD no frequency). This variant has not been reported in the literature in individuals affected with ALPK3-related conditions. ClinVar contains an entry for this variant (Variation ID: 3009758). Invitae Evidence Modeling of protein sequence and biophysical properties (such as structural, functional, and spatial information, amino acid conservation, physicochemical variation, residue mobility, and thermodynamic stability) indicates that this missense variant is not expected to disrupt ALPK3 protein function with a negative predictive value of 80%. In summary, the available evidence is currently insufficient to determine the role of this variant in disease. Therefore, it has been classified as a Variant of Uncertain Significance.